The following is an entry in ClinVar:

NM_002294.3(LAMP2):c.970C>T (p.Pro324Ser)

Gene: LAMP2 (lysosome associated membrane protein 2; minus strand). Cytogenetic location: Xq24.
Variant type: single nucleotide variant.
Coding change: c.970C>T on transcript NM_002294.3 (MANE Select); coding-DNA position 970, C replaced by T.
Protein change: p.Pro324Ser; replaces proline 324 with serine.
Molecular consequence: missense variant.
Genome position (GRCh38, 1-based): chrX:120,441,853, G>A on the plus strand (C>T on the coding strand, the complement: LAMP2 is on the minus strand). VCF-style: chrX-120441853-G-A. GRCh37 (hg19) VCF-style: chrX-119575708-G-A.
Other names: c.970C>T, p.Pro324Ser (NM_001122606.1, NM_013995.2); short protein forms P324S.
Identifiers: ClinVar variation 1503237 (VCV001503237.10), dbSNP rs866736614, ClinGen allele CA335013106.

ClinVar aggregate classification (germline): Conflicting classifications of pathogenicity. Review status: criteria provided, conflicting classifications (1 of 4 stars). 3 submissions from 3 submitters: Uncertain significance (2); Likely benign (1). Last evaluated 2025-06-22.

Conditions:
Cardiovascular phenotype. Identifiers: MedGen CN230736.
Danon disease. Also called: ANTOPOL DISEASE; PSEUDOGLYCOGENOSIS II; GSD IIb; LYSOSOMAL GLYCOGEN STORAGE DISEASE WITHOUT ACID MALTASE DEFICIENCY; Glycogen Storage Disease Type IIb. Identifiers: Orphanet 34587, MedGen C0878677, MONDO:0010281, OMIM 300257.

gnomAD v4.1: 21 of 1,209,996 alleles (0.0017%); highest among the groups gnomAD compares: Non-Finnish European, 0.0023%; no homozygotes.

Submissions (3):

Labcorp Genetics (formerly Invitae), Labcorp
Classification: Uncertain significance for Danon disease. Last evaluated: 2025-06-22. Review status: criteria provided, single submitter. Criteria: Invitae Variant Classification Sherloc (09022015). Collection method: clinical testing. Allele origin: germline.
Comment: This sequence change replaces proline, which is neutral and non-polar, with serine, which is neutral and polar, at codon 324 of the LAMP2 protein (p.Pro324Ser). This variant is not present in population databases (gnomAD no frequency). This variant has not been reported in the literature in individuals affected with LAMP2-related conditions. ClinVar contains an entry for this variant (Variation ID: 1503237). Invitae Evidence Modeling of protein sequence and biophysical properties (such as structural, functional, and spatial information, amino acid conservation, physicochemical variation, residue mobility, and thermodynamic stability) indicates that this missense variant is not expected to disrupt LAMP2 protein function with a negative predictive value of 80%. In summary, the available evidence is currently insufficient to determine the role of this variant in disease. Therefore, it has been classified as a Variant of Uncertain Significance.

Blueprint Genetics
Classification: Likely benign. Last evaluated: 2020-11-24. Review status: criteria provided, single submitter. Criteria: ACMG Guidelines, 2015. Collection method: clinical testing. Allele origin: germline.

Ambry Genetics
Classification: Uncertain significance for Cardiovascular phenotype. Last evaluated: 2020-10-09. Review status: criteria provided, single submitter. Criteria: Ambry Variant Classification Scheme 2023. Collection method: clinical testing. Allele origin: germline.
Comment: The p.P324S variant (also known as c.970C>T), located in coding exon 8 of the LAMP2 gene, results from a C to T substitution at nucleotide position 970. The proline at codon 324 is replaced by serine, an amino acid with similar properties. This amino acid position is not well conserved in available vertebrate species, and serine is the reference amino acid in other vertebrate species. In addition, this alteration is predicted to be tolerated by in silico analysis. Since supporting evidence is limited at this time, the clinical significance of this alteration remains unclear.